The following is an entry in ClinVar:

NM_000383.4(AIRE):c.1418G>A (p.Arg473Lys)

Gene: AIRE (autoimmune regulator; plus strand). Cytogenetic location: 21q22.3.
Variant type: single nucleotide variant.
Coding change: c.1418G>A on transcript NM_000383.4 (MANE Select); coding-DNA position 1418, G replaced by A.
Protein change: p.Arg473Lys; replaces arginine 473 with lysine.
Molecular consequence: missense variant.
Genome position (GRCh38, 1-based): chr21:44,294,418, G>A. VCF-style: chr21-44294418-G-A. GRCh37 (hg19) VCF-style: chr21-45714301-G-A.
Other names: short protein forms R473K.
Identifiers: ClinVar variation 1422715 (VCV001422715.3), dbSNP rs750662701, ClinGen allele CA10052125.

ClinVar aggregate classification (germline): Uncertain significance (1 of 4 stars; one submission).

Conditions:
Polyglandular autoimmune syndrome, type 1 (APS1). Also called: Autoimmune polyendocrinopathy syndrome , type I, with or without reversible metaphyseal dysplasia; AUTOIMMUNE POLYENDOCRINE SYNDROME, TYPE I, WITH OR WITHOUT REVERSIBLE METAPHYSEAL DYSPLASIA; APS I; Autoimmune polyendocrine syndrome type 1; Autoimmune polyendocrinopathy syndrome, type I; HYPOADRENOCORTICISM WITH HYPOPARATHYROIDISM AND SUPERFICIAL MONILIASIS. Identifiers: Orphanet 3453, MedGen C0085859, MONDO:0009411, OMIM 240300.

Allele frequency attached by ClinVar (database versions not stated): gnomAD 0.00001; TOPMed 0.00001; ExAC 0.00003.
gnomAD v4.1: 9 of 1,578,852 alleles (0.00057%); highest among the groups gnomAD compares: Admixed American, 0.0017%; no homozygotes.

Submission:

Labcorp Genetics (formerly Invitae), Labcorp
Classification: Uncertain significance for Polyglandular autoimmune syndrome, type 1. Last evaluated: 2021-10-22. Review status: criteria provided, single submitter. Criteria: Invitae Variant Classification Sherloc (09022015). Collection method: clinical testing. Allele origin: germline.
Comment: This sequence change replaces arginine with lysine at codon 473 of the AIRE protein (p.Arg473Lys). The arginine residue is moderately conserved and there is a small physicochemical difference between arginine and lysine. This variant is present in population databases (rs750662701, ExAC 0.006%). This variant has not been reported in the literature in individuals affected with AIRE-related conditions. Advanced modeling of protein sequence and biophysical properties (such as structural, functional, and spatial information, amino acid conservation, physicochemical variation, residue mobility, and thermodynamic stability) performed at Invitae indicates that this missense variant is not expected to disrupt AIRE protein function. In summary, the available evidence is currently insufficient to determine the role of this variant in disease. Therefore, it has been classified as a Variant of Uncertain Significance.